The following is an entry in ClinVar:

NM_001170629.2(CHD8):c.7258C>A (p.Arg2420Ser)

Gene: CHD8 (chromodomain helicase DNA binding protein 8; minus strand). Cytogenetic location: 14q11.2.
Variant type: single nucleotide variant.
Coding change: c.7258C>A on transcript NM_001170629.2 (MANE Select); coding-DNA position 7258, C replaced by A.
Protein change: p.Arg2420Ser; replaces arginine 2420 with serine.
Molecular consequence: missense variant.
Genome position (GRCh38, 1-based): chr14:21,386,101, G>T on the plus strand (C>A on the coding strand, the complement: CHD8 is on the minus strand). VCF-style: chr14-21386101-G-T. GRCh37 (hg19) VCF-style: chr14-21854260-G-T.
Other names: c.6421C>A, p.Arg2141Ser (NM_020920.4); short protein forms R2141S, R2420S.
Identifiers: ClinVar variation 3368804 (VCV003368804.1).

ClinVar aggregate classification (germline): Uncertain significance (1 of 4 stars; one submission).

gnomAD v4.1: 1 of 1,559,240 alleles (0.000064%); highest among the groups gnomAD compares: Admixed American, 0.0019%; no homozygotes.

Submission:

GeneDx
Classification: Uncertain significance. Last evaluated: 2024-02-07. Review status: criteria provided, single submitter. Criteria: GeneDx Variant Classification Process June 2021. Collection method: clinical testing. Allele origin: germline. Affected: yes.
Comment: Not observed at significant frequency in large population cohorts (gnomAD); In silico analysis supports that this missense variant has a deleterious effect on protein structure/function; Has not been previously published as pathogenic or benign to our knowledge